The following is an entry in ClinVar:

ClinVar aggregate classification (germline): Uncertain significance (1 of 4 stars; one submission).

Submission:

Labcorp Genetics (formerly Invitae), Labcorp
Classification: Uncertain significance. Last evaluated: 2022-12-15. Review status: criteria provided, single submitter. Criteria: Invitae Variant Classification Sherloc (09022015). Collection method: clinical testing. Allele origin: germline.
Comment: In summary, the available evidence is currently insufficient to determine the role of this variant in disease. Therefore, it has been classified as a Variant of Uncertain Significance. Algorithms developed to predict the effect of sequence changes on RNA splicing suggest that this variant may disrupt the consensus splice site. This variant has not been reported in the literature in individuals affected with ZNF408-related conditions. This variant is not present in population databases (gnomAD no frequency). This sequence change affects a donor splice site in intron 2 of the ZNF408 gene. It is expected to disrupt RNA splicing. Variants that disrupt the donor or acceptor splice site typically lead to a loss of protein function (PMID: 16199547), however the current clinical and genetic evidence is not sufficient to establish whether loss-of-function variants in ZNF408 cause disease.

Literature cited by the submitters: PubMed 16199547.

NM_024741.3(ZNF408):c.330+2T>C

Gene: ZNF408 (zinc finger protein 408; plus strand). Cytogenetic location: 11p11.2.
Variant type: single nucleotide variant.
Coding change: c.330+2T>C on transcript NM_024741.3 (MANE Select); the canonical splice donor site of the intron after coding-DNA position 330, T replaced by C.
Molecular consequence: splice donor variant.
Genome position (GRCh38, 1-based): chr11:46,701,678, T>C. VCF-style: chr11-46701678-T-C. GRCh37 (hg19) VCF-style: chr11-46723228-T-C.
Other names: c.306+2T>C (NM_001184751.2).
Identifiers: ClinVar variation 2821121 (VCV002821121.3), dbSNP rs1592397673, ClinGen allele CA380252005.